The following is an entry in ClinVar:

ClinVar aggregate classification (germline): Uncertain significance (1 of 4 stars; one submission).

gnomAD v4.1: 9 of 1,614,082 alleles (0.00056%); highest among the groups gnomAD compares: Non-Finnish European, 0.00076%; no homozygotes.

Submission:

Labcorp Genetics (formerly Invitae), Labcorp
Classification: Uncertain significance. Last evaluated: 2024-12-05. Review status: criteria provided, single submitter. Criteria: Invitae Variant Classification Sherloc (09022015). Collection method: clinical testing. Allele origin: germline.
Comment: This sequence change replaces aspartic acid, which is acidic and polar, with asparagine, which is neutral and polar, at codon 581 of the ATP1A1 protein (p.Asp581Asn). This variant is not present in population databases (gnomAD no frequency). This variant has not been reported in the literature in individuals affected with ATP1A1-related conditions. ClinVar contains an entry for this variant (Variation ID: 2414997). Invitae Evidence Modeling of protein sequence and biophysical properties (such as structural, functional, and spatial information, amino acid conservation, physicochemical variation, residue mobility, and thermodynamic stability) indicates that this missense variant is not expected to disrupt ATP1A1 protein function with a negative predictive value of 95%. In summary, the available evidence is currently insufficient to determine the role of this variant in disease. Therefore, it has been classified as a Variant of Uncertain Significance.

NM_000701.8(ATP1A1):c.1741G>A (p.Asp581Asn)

Genes: ATP1A1 (ATPase Na+/K+ transporting subunit alpha 1; plus strand), ATP1A1-AS1 (ATP1A1 antisense RNA 1; minus strand). Cytogenetic location: 1p13.1.
Variant type: single nucleotide variant.
Coding change: c.1741G>A on transcript NM_000701.8 (MANE Select); coding-DNA position 1741, G replaced by A.
Protein change: p.Asp581Asn; replaces aspartic acid 581 with asparagine.
Molecular consequence: missense variant.
Genome position (GRCh38, 1-based): chr1:116,395,190, G>A. VCF-style: chr1-116395190-G-A. GRCh37 (hg19) VCF-style: chr1-116937812-G-A.
Other names: c.1741G>A, p.Asp581Asn (NM_001160233.2); c.1648G>A, p.Asp550Asn (NM_001160234.2); short protein forms D550N, D581N.
Identifiers: ClinVar variation 2414997 (VCV002414997.6), dbSNP rs1652806511, ClinGen allele CA341771511.